The following is an entry in ClinVar:

NM_001220.5(CAMK2B):c.1274C>A (p.Ala425Asp)

Gene: CAMK2B (calcium/calmodulin dependent protein kinase II beta; minus strand). Cytogenetic location: 7p13.
Variant type: single nucleotide variant.
Coding change: c.1274C>A on transcript NM_001220.5 (MANE Select); coding-DNA position 1274, C replaced by A.
Protein change: p.Ala425Asp; replaces alanine 425 with aspartic acid.
Molecular consequence: missense variant. On other transcripts: intron variant (8).
Genome position (GRCh38, 1-based): chr7:44,229,453, G>T on the plus strand (C>A on the coding strand, the complement: CAMK2B is on the minus strand). VCF-style: chr7-44229453-G-T. GRCh37 (hg19) VCF-style: chr7-44269052-G-T.
Other names: c.1274C>A (NM_001220.4); c.947-8552C>A (NM_172084.3); c.1150+1553C>A (NM_172080.3); c.1036+1553C>A (NM_172083.3); c.1108+1553C>A (NM_172081.3); c.1153+1553C>A (NM_172079.3, NM_172082.3); c.1225+1553C>A (NM_001293170.2, NM_172078.3); short protein forms A425D.
Identifiers: ClinVar variation 2838892 (VCV002838892.4), dbSNP rs2096556612, ClinGen allele CA367374525.

ClinVar aggregate classification (germline): Uncertain significance. Review status: criteria provided, multiple submitters, no conflicts (2 of 4 stars). 2 submissions from 2 submitters: Uncertain significance (2). Last evaluated 2025-12-11.

Conditions:
Inborn genetic diseases. Identifiers: MedGen C0950123, MeSH D030342.

Allele frequency attached by ClinVar (database versions not stated): gnomAD 0.00001.

Submissions (2):

Ambry Genetics
Classification: Uncertain significance for Inborn genetic diseases. Last evaluated: 2025-12-11. Review status: criteria provided, single submitter. Criteria: Ambry Variant Classification Scheme 2023. Collection method: clinical testing. Allele origin: germline.

Labcorp Genetics (formerly Invitae), Labcorp
Classification: Uncertain significance. Last evaluated: 2023-02-18. Review status: criteria provided, single submitter. Criteria: Invitae Variant Classification Sherloc (09022015). Collection method: clinical testing. Allele origin: germline.
Comment: This variant has not been reported in the literature in individuals affected with CAMK2B-related conditions. This sequence change replaces alanine, which is neutral and non-polar, with aspartic acid, which is acidic and polar, at codon 425 of the CAMK2B protein (p.Ala425Asp). This variant is not present in population databases (gnomAD no frequency). An algorithm developed to predict the effect of missense changes on protein structure and function (PolyPhen-2) suggests that this variant is likely to be tolerated. In summary, the available evidence is currently insufficient to determine the role of this variant in disease. Therefore, it has been classified as a Variant of Uncertain Significance.